The following is an entry in ClinVar:

NM_001242896.3(DEPDC5):c.3910G>T (p.Val1304Leu)

Gene: DEPDC5 (DEP domain containing 5, GATOR1 subcomplex subunit; plus strand). Cytogenetic location: 22q12.3.
Variant type: single nucleotide variant.
Coding change: c.3910G>T on transcript NM_001242896.3 (MANE Select); coding-DNA position 3910, G replaced by T.
Protein change: p.Val1304Leu; replaces valine 1304 with leucine.
Molecular consequence: missense variant. On other transcripts: non-coding transcript variant (5).
Genome position (GRCh38, 1-based): chr22:31,879,629, G>T. VCF-style: chr22-31879629-G-T. GRCh37 (hg19) VCF-style: chr22-32275615-G-T.
Other names: c.3883G>T, p.Val1295Leu (NM_001136029.4); c.3610G>T, p.Val1204Leu (NM_001242897.2); c.3844G>T, p.Val1282Leu (NM_001363852.2, NM_001364320.2); c.3676G>T, p.Val1226Leu (NM_001363854.2, NM_001364319.2); c.3910G>T, p.Val1304Leu (NM_001364318.2); c.3826G>T, p.Val1276Leu (NM_001369901.1, NM_001369902.1); c.3817G>T, p.Val1273Leu (NM_001369903.1, NM_014662.6); short protein forms V1295L, V1276L, V1273L, V1282L, V1204L, V1226L, V1304L.
Identifiers: ClinVar variation 1040018 (VCV001040018.10), dbSNP rs750936617, ClinGen allele CA10197141.

ClinVar aggregate classification (germline): Conflicting classifications of pathogenicity. Review status: criteria provided, conflicting classifications (1 of 4 stars). 2 submissions from 2 submitters: Uncertain significance (1); Likely benign (1). Last evaluated 2022-06-09.

Conditions:
Familial focal epilepsy with variable foci (FPEVF). Identifiers: Orphanet 98820, MedGen C1858477, MONDO:0020310.
Inborn genetic diseases. Identifiers: MedGen C0950123, MeSH D030342.

gnomAD v4.1: 3 of 1,614,012 alleles (0.00019%); highest among the groups gnomAD compares: South Asian, 0.0033%; no homozygotes.

Submissions (2):

Labcorp Genetics (formerly Invitae), Labcorp
Classification: Uncertain significance for Familial focal epilepsy with variable foci. Last evaluated: 2022-06-09. Review status: criteria provided, single submitter. Criteria: Invitae Variant Classification Sherloc (09022015). Collection method: clinical testing. Allele origin: germline.
Comment: In summary, the available evidence is currently insufficient to determine the role of this variant in disease. Therefore, it has been classified as a Variant of Uncertain Significance. Algorithms developed to predict the effect of missense changes on protein structure and function output the following: SIFT: "Tolerated"; PolyPhen-2: "Not Available"; Align-GVGD: "Class C0". The leucine amino acid residue is found in multiple mammalian species, which suggests that this missense change does not adversely affect protein function. ClinVar contains an entry for this variant (Variation ID: 1040018). This variant has not been reported in the literature in individuals affected with DEPDC5-related conditions. This variant is not present in population databases (gnomAD no frequency). This sequence change replaces valine, which is neutral and non-polar, with leucine, which is neutral and non-polar, at codon 1304 of the DEPDC5 protein (p.Val1304Leu).

Ambry Genetics
Classification: Likely benign for Inborn genetic diseases. Last evaluated: 2020-08-19. Review status: criteria provided, single submitter. Criteria: Ambry Variant Classification Scheme 2023. Collection method: clinical testing. Allele origin: germline.